The following is an entry in ClinVar:

NM_000053.4(ATP7B):c.2097_2100del (p.Phe699fs)

Gene: ATP7B (ATPase copper transporting beta; minus strand). Cytogenetic location: 13q14.3.
Variant type: Deletion.
Coding change: c.2097_2100del on transcript NM_000053.4 (MANE Select); coding-DNA positions 2097 to 2100, 4 bases deleted (CTTT; older notation c.2097_2100delCTTT).
Protein change: p.Phe699fs; shifts the reading frame from phenylalanine 699.
Molecular consequence: frameshift variant. On other transcripts: intron variant (2).
Genome position (GRCh38, 1-based): chr13:51,960,169-51,960,172, AAAG deleted on the plus strand (CTTT on the coding strand, the reverse complement: ATP7B is on the minus strand); deleting any 4 consecutive bases within chr13:51,960,169-51,960,174 gives the same sequence; the c. name uses the placement nearest the transcript's 3' end. VCF-style (leftmost placement, unchanged base first): chr13-51960168-TAAAG-T. GRCh37 (hg19) VCF-style: chr13-52534304-TAAAG-T.
Other names: c.1764_1767del, p.Phe588fs (NM_001243182.2); c.2097_2100del, p.Phe699fs (NM_001330578.2); c.1870-2565_1870-2562del (NM_001005918.3); c.1870-1628_1870-1625del (NM_001330579.2); short protein forms F699fs, F588fs.
Identifiers: ClinVar variation 552655 (VCV000552655.6), dbSNP rs1555291784, ClinGen allele CA483896305.

ClinVar aggregate classification (germline): Pathogenic. Review status: criteria provided, multiple submitters, no conflicts (2 of 4 stars). 3 submissions from 3 submitters: Pathogenic (2). 1 of the submissions does not count toward it. Last evaluated 2025-08-19.

Conditions:
Wilson disease (WND). Also called: Wilson's disease. Identifiers: Orphanet 905, MedGen C0019202, MONDO:0010200, OMIM 277900. Disease mechanism: loss of function.

Submissions (3):

Labcorp Genetics (formerly Invitae), Labcorp
Classification: Pathogenic for Wilson disease. Last evaluated: 2025-08-19. Review status: criteria provided, single submitter. Criteria: Invitae Variant Classification Sherloc (09022015). Collection method: clinical testing. Allele origin: germline.
Comment: This sequence change creates a premature translational stop signal (p.Phe699Leufs*23) in the ATP7B gene. It is expected to result in an absent or disrupted protein product. Loss-of-function variants in ATP7B are known to be pathogenic (PMID: 10441329, 16283883). This variant is not present in population databases (gnomAD no frequency). This variant has not been reported in the literature in individuals affected with ATP7B-related conditions. ClinVar contains an entry for this variant (Variation ID: 552655). For these reasons, this variant has been classified as Pathogenic.

ARUP Laboratories, Molecular Genetics and Genomics, ARUP Laboratories
Classification: Pathogenic for Wilson disease. Last evaluated: 2023-11-29. Review status: criteria provided, single submitter. Criteria: ARUP Molecular Germline Variant Investigation Process 2024. Collection method: clinical testing. Allele origin: germline.
Comment: The ATP7B c.2097_2100del; p.Phe699LeufsTer23 variant (rs1555291784), to our knowledge, is not reported in the medical literature but is reported in ClinVar (Variation ID: 552655). This variant is absent from the Genome Aggregation Database (v2.1.1), indicating it is not a common polymorphism. This variant causes a frameshift by deleting four nucleotides, so it is predicted to result in a truncated protein or mRNA subject to nonsense-mediated decay. Based on available information, this variant is considered to be pathogenic.

Counsyl
Classification: Likely pathogenic for Wilson disease. Last evaluated: 2017-06-26. Review status: no assertion criteria provided. Collection method: clinical testing. Allele origin: unknown. Not counted in ClinVar's aggregate classification.

Literature cited by the submitters: PubMed 10441329 (cited by Labcorp Genetics (formerly Invitae), Labcorp); PubMed 16283883 (cited by Labcorp Genetics (formerly Invitae), Labcorp).